The following is an entry in ClinVar:

ClinVar aggregate classification (germline): Likely pathogenic, low penetrance (1 of 4 stars; one submission).

Conditions:
Atypical hemolytic-uremic syndrome. Identifiers: Orphanet 2134, MedGen C2931788, MONDO:0016244.

Submission:

Genomenon, Inc
Classification: Likely pathogenic, low penetrance for Atypical hemolytic-uremic syndrome. Last evaluated: 2025-10-02. Review status: criteria provided, single submitter. Criteria: Genomenon Sequence Variant Interpretation Standards - Updated. Collection method: curation. Allele origin: germline. Affected: yes.
Comment: CFH p.Trp1157Arg (c.3469T>C) is a missense variant that changes the amino acid at residue 1157 from Tryptophan to Arginine. This variant has been observed in at least one proband affected with atypical hemolytic-uremic syndrome (PMID:12960213). At least one functional study has demonstrated a substantial alteration in protein function relative to the wild-type (PMID:16338962). It is absent or not present at a significant frequency in gnomAD. In silico models agree that this variant is possibly or probably damaging. In conclusion, we classify CFH p.Trp1157Arg (c.3469T>C) as a likely pathogenic, low penetrance variant.

Literature cited by the submitters: PubMed 12960213; PubMed 16338962.

NM_000186.4(CFH):c.3469T>C (p.Trp1157Arg)

Gene: CFH (complement factor H; plus strand). Cytogenetic location: 1q31.3.
Variant type: single nucleotide variant.
Coding change: c.3469T>C on transcript NM_000186.4 (MANE Select); coding-DNA position 3469, T replaced by C.
Protein change: p.Trp1157Arg; replaces tryptophan 1157 with arginine.
Molecular consequence: missense variant.
Genome position (GRCh38, 1-based): chr1:196,745,975, T>C. VCF-style: chr1-196745975-T-C. GRCh37 (hg19) VCF-style: chr1-196715105-T-C.
Other names: short protein forms W1157R.
Identifiers: ClinVar variation 4291578 (VCV004291578.1).
Genomic context (GRCh38, chr1:196,745,975, plus strand): 5'-CAATGCCAGAACTTGTATCAACTTGAGGGTAACAAGCGAATAACATGTAGAAATGGACAA[T>C]GGTCAGAACCACCAAAATGCTTACGTAAGTACTTTAATATTCACGTGGCTGGAAAAATCT-3'
Protein context (NP_000177.2, residues 1147-1167): NKRITCRNGQ[Trp1157Arg]SEPPKCLHPC